The following is an entry in ClinVar:

ClinVar aggregate classification (germline): Uncertain significance. Review status: criteria provided, multiple submitters, no conflicts (2 of 4 stars). 2 submissions from 2 submitters: Uncertain significance (2). Last evaluated 2022-08-05.

Conditions:
Hereditary cancer-predisposing syndrome. Also called: Neoplastic Syndromes, Hereditary; Hereditary neoplastic syndrome; Tumor predisposition; Hereditary Cancer Syndrome. Identifiers: Orphanet 140162, MedGen C0027672, MeSH D009386, MONDO:0015356.
Ataxia-telangiectasia syndrome (AT). Also called: Ataxia telangiectasia (A-T); Cerebello-oculocutaneous telangiectasia; Immunodeficiency with ataxia telangiectasia; LOUIS-BAR SYNDROME; AT, COMPLEMENTATION GROUP C; ATAXIA-TELANGIECTASIA, FRESNO VARIANT. Identifiers: Orphanet 100, MedGen C0004135, MONDO:0008840, OMIM 208900.

Submissions (2):

Ambry Genetics
Classification: Uncertain significance for Hereditary cancer-predisposing syndrome. Last evaluated: 2022-08-05. Review status: criteria provided, single submitter. Criteria: Ambry Variant Classification Scheme 2023. Collection method: clinical testing. Allele origin: germline.
Comment: The p.F2732L variant (also known as c.8194T>C), located in coding exon 55 of the ATM gene, results from a T to C substitution at nucleotide position 8194. The phenylalanine at codon 2732 is replaced by leucine, an amino acid with highly similar properties. This amino acid position is highly conserved in available vertebrate species. In addition, this alteration is predicted to be deleterious by in silico analysis. Since supporting evidence is limited at this time, the clinical significance of this alteration remains unclear.

Labcorp Genetics (formerly Invitae), Labcorp
Classification: Uncertain significance for Ataxia-telangiectasia syndrome. Last evaluated: 2022-07-09. Review status: criteria provided, single submitter. Criteria: Invitae Variant Classification Sherloc (09022015). Collection method: clinical testing. Allele origin: germline.
Comment: This sequence change replaces phenylalanine, which is neutral and non-polar, with leucine, which is neutral and non-polar, at codon 2732 of the ATM protein (p.Phe2732Leu). This variant is not present in population databases (gnomAD no frequency). In summary, the available evidence is currently insufficient to determine the role of this variant in disease. Therefore, it has been classified as a Variant of Uncertain Significance. Advanced modeling of protein sequence and biophysical properties (such as structural, functional, and spatial information, amino acid conservation, physicochemical variation, residue mobility, and thermodynamic stability) performed at Invitae indicates that this missense variant is expected to disrupt ATM protein function. This variant has not been reported in the literature in individuals affected with ATM-related conditions. ClinVar contains an entry for this variant (Variation ID: 232209).

NM_000051.4(ATM):c.8194T>C (p.Phe2732Leu)

Genes: ATM (ATM serine/threonine kinase; plus strand), C11orf65 (chromosome 11 open reading frame 65; minus strand). Cytogenetic location: 11q22.3.
Variant type: single nucleotide variant.
Coding change: c.8194T>C on transcript NM_000051.4 (MANE Select); coding-DNA position 8194, T replaced by C.
Protein change: p.Phe2732Leu; replaces phenylalanine 2732 with leucine.
Molecular consequence: missense variant. On other transcripts: intron variant (2).
Genome position (GRCh38, 1-based): chr11:108,335,887, T>C. VCF-style: chr11-108335887-T-C. GRCh37 (hg19) VCF-style: chr11-108206614-T-C.
Other names: c.8194T>C, p.Phe2732Leu (NM_001351834.2); c.641-26816A>G (NM_001330368.2); c.695-595A>G (NM_001351110.2); short protein forms F2732L.
Identifiers: ClinVar variation 232209 (VCV000232209.13), dbSNP rs876659619, ClinGen allele CA10579286.